The following is an entry in ClinVar:

NC_000023.11:g.54450302del

Gene: FGD1 (FYVE, RhoGEF and PH domain containing 1; minus strand). Cytogenetic location: Xp11.22.
Variant type: Deletion.
Genome position: GRCh38 VCF-style: chrX-54450300-TC-T. GRCh37 (hg19) VCF-style: chrX-54476733-TC-T.
Identifiers: ClinVar variation 3905980 (VCV003905980.10).

ClinVar aggregate classification (germline): Pathogenic (1 of 4 stars; one submission).

Submission:

CeGaT Center for Human Genetics Tuebingen
Classification: Pathogenic. Last evaluated: 2025-05-01. Review status: criteria provided, single submitter. Criteria: CeGaT Center For Human Genetics Tuebingen Variant Classification Criteria Version 2. Collection method: clinical testing. Allele origin: germline. Affected: yes. Observed: 2 variant alleles.
Comment: FGD1: PVS1, PM2